The following is an entry in ClinVar:

NM_000487.6(ARSA):c.1030G>C (p.Ala344Pro)

Gene: ARSA (arylsulfatase A; minus strand). Cytogenetic location: 22q13.33.
Variant type: single nucleotide variant.
Coding change: c.1030G>C on transcript NM_000487.6 (MANE Select); coding-DNA position 1030, G replaced by C.
Protein change: p.Ala344Pro; replaces alanine 344 with proline.
Molecular consequence: missense variant.
Genome position (GRCh38, 1-based): chr22:50,626,013, C>G on the plus strand (G>C on the coding strand, the complement: ARSA is on the minus strand). VCF-style: chr22-50626013-C-G. GRCh37 (hg19) VCF-style: chr22-51064441-C-G.
Other names: c.1030G>C, p.Ala344Pro (NM_001085425.3, NM_001085426.3, NM_001085427.3); c.772G>C, p.Ala258Pro (NM_001085428.3, NM_001362782.2); short protein forms A344P, A258P.
Identifiers: ClinVar variation 2044918 (VCV002044918.1), dbSNP rs2518326024, ClinGen allele CA412172070.
Genomic context (GRCh38, chr22:50,626,013, plus strand): 5'-GCAGGGGGCTGAGGTCAAAGCCATCCAAGGTGACATTGGGCAGTGGGGCCCCAGCCAGGG[C>G]TGCCAGGGTAGGCAGCAGGTCCAGGGAGCTGGCCAGCTCGTGGGTCACGCCTGGGGGCAG-3'
Protein context (NP_000478.3, residues 334-354): SSLDLLPTLA[Ala344Pro]LAGAPLPNVT

ClinVar aggregate classification (germline): Uncertain significance (1 of 4 stars; one submission).

Conditions:
Metachromatic leukodystrophy (MLD). Also called: METACHROMATIC LEUKOENCEPHALOPATHY; SULFATIDE LIPIDOSIS; ARSA DEFICIENCY; CEREBROSIDE SULFATASE DEFICIENCY; Cerebral sclerosis diffuse metachromatic form; Arylsulfatase A Deficiency. Identifiers: Orphanet 512, MedGen C0023522, MONDO:0018868, OMIM 250100.

Submission:

Labcorp Genetics (formerly Invitae), Labcorp
Classification: Uncertain significance for Metachromatic leukodystrophy. Last evaluated: 2021-12-25. Review status: criteria provided, single submitter. Criteria: Invitae Variant Classification Sherloc (09022015). Collection method: clinical testing. Allele origin: germline.
Comment: This sequence change replaces alanine, which is neutral and non-polar, with proline, which is neutral and non-polar, at codon 344 of the ARSA protein (p.Ala344Pro). This variant is not present in population databases (gnomAD no frequency). This variant has not been reported in the literature in individuals affected with ARSA-related conditions. Advanced modeling of protein sequence and biophysical properties (such as structural, functional, and spatial information, amino acid conservation, physicochemical variation, residue mobility, and thermodynamic stability) performed at Invitae indicates that this missense variant is expected to disrupt ARSA protein function. In summary, the available evidence is currently insufficient to determine the role of this variant in disease. Therefore, it has been classified as a Variant of Uncertain Significance.